The following is an entry in ClinVar:

ClinVar aggregate classification (germline): Uncertain significance. Review status: criteria provided, multiple submitters, no conflicts (2 of 4 stars). 2 submissions from 2 submitters: Uncertain significance (2). Last evaluated 2025-04-01.

Conditions:
AFF2-related disorder. Also called: AFF2-related condition.

gnomAD v4.1: 1 of 1,211,612 alleles (0.000083%); highest among the groups gnomAD compares: Non-Finnish European, 0.00011%; no homozygotes.

Submissions (2):

GeneDx
Classification: Uncertain significance. Last evaluated: 2025-04-01. Review status: criteria provided, single submitter. Criteria: GeneDx Variant Classification Process June 2021. Collection method: clinical testing. Allele origin: germline. Affected: yes.
Comment: Not observed at significant frequency in large population cohorts (gnomAD); In silico analysis indicates that this missense variant does not alter protein structure/function; Has not been previously published as pathogenic or benign to our knowledge

PreventionGenetics, part of Exact Sciences
Classification: Uncertain significance for AFF2-related condition. Last evaluated: 2024-11-20. Review status: criteria provided, single submitter. Criteria: ACMG Guidelines, 2015. Collection method: clinical testing. Allele origin: germline.
Comment: The AFF2 c.3160A>G variant is predicted to result in the amino acid substitution p.Ser1054Gly. To our knowledge, this variant has not been reported in the literature or in a large population database (gnomAD), indicating this variant is rare. At this time, the clinical significance of this variant is uncertain due to the absence of conclusive functional and genetic evidence.

NM_002025.4(AFF2):c.3160A>G (p.Ser1054Gly)

Gene: AFF2 (ALF transcription elongation factor 2; plus strand). Cytogenetic location: Xq28.
Variant type: single nucleotide variant.
Coding change: c.3160A>G on transcript NM_002025.4 (MANE Select); coding-DNA position 3160, A replaced by G.
Protein change: p.Ser1054Gly; replaces serine 1054 with glycine.
Molecular consequence: missense variant.
Genome position (GRCh38, 1-based): chrX:148,967,036, A>G. VCF-style: chrX-148967036-A-G. GRCh37 (hg19) VCF-style: chrX-148048566-A-G.
Other names: c.3160A>G (NM_002025.3); c.3055A>G, p.Ser1019Gly (NM_001169122.2, NM_001169124.2); c.3130A>G, p.Ser1044Gly (NM_001169123.2); c.3043A>G, p.Ser1015Gly (NM_001169125.2); c.2083A>G, p.Ser695Gly (NM_001170628.1); short protein forms S1054G, S695G, S1015G, S1019G, S1044G.
Identifiers: ClinVar variation 4278823 (VCV004278823.2).